The following is an entry in ClinVar:

ClinVar aggregate classification (germline): Uncertain significance (1 of 4 stars; one submission).

Conditions:
Epilepsy, familial focal, with variable foci 3 (FFEVF3). Identifiers: MedGen C4310708, MONDO:0014925, OMIM 617118.

Submission:

Labcorp Genetics (formerly Invitae), Labcorp
Classification: Uncertain significance for Epilepsy, familial focal, with variable foci 3. Last evaluated: 2023-03-18. Review status: criteria provided, single submitter. Criteria: Invitae Variant Classification Sherloc (09022015). Collection method: clinical testing. Allele origin: germline.
Comment: This sequence change falls in intron 7 of the NPRL3 gene. It does not directly change the encoded amino acid sequence of the NPRL3 protein. This variant is not present in population databases (gnomAD no frequency). This variant has not been reported in the literature in individuals affected with NPRL3-related conditions. Algorithms developed to predict the effect of sequence changes on RNA splicing suggest that this variant may disrupt the consensus splice site. In summary, the available evidence is currently insufficient to determine the role of this variant in disease. Therefore, it has been classified as a Variant of Uncertain Significance.

NM_001077350.3(NPRL3):c.629+8A>G

Genes: HBA-LCR (alpha-globin locus control region; plus strand), NPRL3 (NPR3 like, GATOR1 complex subunit; minus strand). Cytogenetic location: 16p13.3.
Variant type: single nucleotide variant.
Coding change: c.629+8A>G on transcript NM_001077350.3 (MANE Select); 8 bases into the intron after coding-DNA position 629, A replaced by G.
Molecular consequence: intron variant.
Genome position (GRCh38, 1-based): chr16:110,517, T>C on the plus strand (A>G on the coding strand, the complement: NPRL3 is on the minus strand). VCF-style: chr16-110517-T-C. GRCh37 (hg19) VCF-style: chr16-160515-T-C.
Other names: c.395+8A>G (NM_001243247.2); c.554+8A>G (NM_001243248.2, NM_001243249.2); c.92+8A>G (NM_001039476.3).
Identifiers: ClinVar variation 3001757 (VCV003001757.3), dbSNP rs1342200514, ClinGen allele CA2740096796.